The following is an entry in ClinVar:

NM_004006.3(DMD):c.6665A>T (p.Glu2222Val)

Gene: DMD (dystrophin; minus strand). Cytogenetic location: Xp21.1.
Variant type: single nucleotide variant.
Coding change: c.6665A>T on transcript NM_004006.3 (MANE Select); coding-DNA position 6665, A replaced by T.
Protein change: p.Glu2222Val; replaces glutamic acid 2222 with valine.
Molecular consequence: missense variant. On other transcripts: 5 prime UTR variant (5).
Genome position (GRCh38, 1-based): chrX:31,932,177, T>A on the plus strand (A>T on the coding strand, the complement: DMD is on the minus strand). VCF-style: chrX-31932177-T-A. GRCh37 (hg19) VCF-style: chrX-31950294-T-A.
Other names: c.6641A>T, p.Glu2214Val (NM_000109.4); c.6653A>T, p.Glu2218Val (NM_004009.3); c.6296A>T, p.Glu2099Val (NM_004010.3); c.2642A>T, p.Glu881Val (NM_004011.4); c.2633A>T, p.Glu878Val (NM_004012.4); c.-716A>T (NM_004013.3, NM_004020.4, NM_004021.3 and 2 more transcripts); short protein forms E2218V, E878V, E2222V, E881V, E2099V, E2214V.
Identifiers: ClinVar variation 1754751 (VCV001754751.5), dbSNP rs1180468756, ClinGen allele CA412658311.

ClinVar aggregate classification (germline): Uncertain significance. Review status: criteria provided, multiple submitters, no conflicts (2 of 4 stars). 2 submissions from 2 submitters: Uncertain significance (2). Last evaluated 2025-10-04.

Conditions:
Duchenne muscular dystrophy (DMD). Also called: MUSCULAR DYSTROPHY, PSEUDOHYPERTROPHIC PROGRESSIVE, DUCHENNE TYPE; Duchenne Muscular Dystrophy (DMD). Identifiers: Orphanet 98896, MedGen C0013264, MONDO:0010679, OMIM 310200.
Cardiovascular phenotype. Identifiers: MedGen CN230736.

gnomAD v4.1: 4 of 1,190,690 alleles (0.00034%); highest among the groups gnomAD compares: Non-Finnish European, 0.00046%; no homozygotes.

Submissions (2):

Labcorp Genetics (formerly Invitae), Labcorp
Classification: Uncertain significance for Duchenne muscular dystrophy. Last evaluated: 2025-10-04. Review status: criteria provided, single submitter. Criteria: Invitae Variant Classification Sherloc (09022015). Collection method: clinical testing. Allele origin: germline.
Comment: This sequence change replaces glutamic acid, which is acidic and polar, with valine, which is neutral and non-polar, at codon 2222 of the DMD protein (p.Glu2222Val). This variant is not present in population databases (gnomAD no frequency). This variant has not been reported in the literature in individuals affected with DMD-related conditions. ClinVar contains an entry for this variant (Variation ID: 1754751). Invitae Evidence Modeling of protein sequence and biophysical properties (such as structural, functional, and spatial information, amino acid conservation, physicochemical variation, residue mobility, and thermodynamic stability) indicates that this missense variant is not expected to disrupt DMD protein function with a negative predictive value of 95%. In summary, the available evidence is currently insufficient to determine the role of this variant in disease. Therefore, it has been classified as a Variant of Uncertain Significance.

Ambry Genetics
Classification: Uncertain significance for Cardiovascular phenotype. Last evaluated: 2023-11-15. Review status: criteria provided, single submitter. Criteria: Ambry Variant Classification Scheme 2023. Collection method: clinical testing. Allele origin: germline.
Comment: The p.E2222V variant (also known as c.6665A>T), located in coding exon 46 of the DMD gene, results from an A to T substitution at nucleotide position 6665. The glutamic acid at codon 2222 is replaced by valine, an amino acid with dissimilar properties. This amino acid position is well conserved in available vertebrate species. In addition, this alteration is predicted to be tolerated by in silico analysis. Since supporting evidence is limited at this time, the clinical significance of this alteration remains unclear.